The following is an entry in ClinVar:

ClinVar aggregate classification (germline): Pathogenic (1 of 4 stars; one submission).

Conditions:
Neuronal ceroid lipofuscinosis 7 (CLN7). Also called: MFSD8-Related Neuronal Ceroid-Lipofuscinosis. Identifiers: Orphanet 168491, Orphanet 228366, MedGen C1838571, MONDO:0012588, OMIM 610951.

Submission:

Labcorp Genetics (formerly Invitae), Labcorp
Classification: Pathogenic for Neuronal ceroid lipofuscinosis 7. Last evaluated: 2024-12-27. Review status: criteria provided, single submitter. Criteria: Invitae Variant Classification Sherloc (09022015). Collection method: clinical testing. Allele origin: germline.
Comment: This sequence change creates a premature translational stop signal (p.Gln258*) in the MFSD8 gene. It is expected to result in an absent or disrupted protein product. Loss-of-function variants in MFSD8 are known to be pathogenic (PMID: 19177532, 25227500, 28586915). This variant is not present in population databases (gnomAD no frequency). This variant has not been reported in the literature in individuals affected with MFSD8-related conditions. Algorithms developed to predict the effect of sequence changes on RNA splicing suggest that this variant may disrupt the consensus splice site. For these reasons, this variant has been classified as Pathogenic.

Literature cited by the submitters: PubMed 19177532; PubMed 25227500; PubMed 28586915.

NM_001371596.2(MFSD8):c.772C>T (p.Gln258Ter)

Gene: MFSD8 (major facilitator superfamily domain containing 8; minus strand). Cytogenetic location: 4q28.2.
Variant type: single nucleotide variant.
Coding change: c.772C>T on transcript NM_001371596.2 (MANE Select); coding-DNA position 772, C replaced by T.
Protein change: p.Gln258Ter; replaces glutamine 258 with a stop codon.
Molecular consequence: nonsense.
Genome position (GRCh38, 1-based): chr4:127,933,076, G>A on the plus strand (C>T on the coding strand, the complement: MFSD8 is on the minus strand). VCF-style: chr4-127933076-G-A. GRCh37 (hg19) VCF-style: chr4-128854231-G-A.
Other names: c.571C>T, p.Gln191Ter (NM_001363520.3); c.457C>T, p.Gln153Ter (NM_001363521.3); c.637C>T, p.Gln213Ter (NM_001371590.2); c.772C>T, p.Gln258Ter (NM_001371591.2, NM_152778.4); c.778C>T, p.Gln260Ter (NM_001371592.2); c.658C>T, p.Gln220Ter (NM_001371593.2, NM_001410766.1); c.625C>T, p.Gln209Ter (NM_001371594.2); c.490C>T, p.Gln164Ter (NM_001371595.1); and 1 more; short protein forms Q153*, Q191*, Q213*, Q220*, Q260*, Q258*, Q108*, Q164*.
Identifiers: ClinVar variation 3663660 (VCV003663660.2).